The following is an entry in ClinVar:

NM_012210.4(TRIM32):c.700C>T (p.Gln234Ter)

Genes: ASTN2 (astrotactin 2; minus strand), TRIM32 (tripartite motif containing 32; plus strand). Cytogenetic location: 9q33.1.
Variant type: single nucleotide variant.
Coding change: c.700C>T on transcript NM_012210.4 (MANE Select); coding-DNA position 700, C replaced by T.
Protein change: p.Gln234Ter; replaces glutamine 234 with a stop codon.
Molecular consequence: nonsense. On other transcripts: intron variant (3).
Genome position (GRCh38, 1-based): chr9:116,698,442, C>T. VCF-style: chr9-116698442-C-T. GRCh37 (hg19) VCF-style: chr9-119460721-C-T.
Other names: c.700C>T, p.Gln234Ter (NM_001099679.2, NM_001379048.1, NM_001379049.1 and 1 more transcripts); c.2653+27329G>A (NM_014010.5); c.2794+27329G>A (NM_001365069.1); c.2806+27329G>A (NM_001365068.1); short protein forms Q234*.
Identifiers: ClinVar variation 432022 (VCV000432022.2), dbSNP rs886043553, ClinGen allele CA374649493.

ClinVar aggregate classification (germline): Likely pathogenic (1 of 4 stars; one submission).

gnomAD v4.1: 2 of 1,614,032 alleles (0.00012%); highest among the groups gnomAD compares: Middle Eastern, 0.017%; no homozygotes.

Submission:

GeneDx
Classification: Likely pathogenic. Last evaluated: 2015-11-23. Review status: criteria provided, single submitter. Criteria: GeneDx Variant Classification (06012015). Collection method: clinical testing. Allele origin: germline. Affected: yes.
Comment: The Q234X variant has not been published as a pathogenic variant, nor has it been reported as a benign variant to our knowledge. This variant is predicted to cause loss of normal protein function through protein truncation as the last 1258 amino acids of the TRIM32 protein are lost. Therefore, this variant is a strong candidate for a pathogenic variant, however the possibility that it is a benign variant cannot be excluded.